The following is an entry in ClinVar:

NM_032634.4(PIGO):c.1334G>C (p.Arg445Pro)

Gene: PIGO (phosphatidylinositol glycan anchor biosynthesis class O; minus strand). Cytogenetic location: 9p13.3.
Variant type: single nucleotide variant.
Coding change: c.1334G>C on transcript NM_032634.4 (MANE Select); coding-DNA position 1334, G replaced by C.
Protein change: p.Arg445Pro; replaces arginine 445 with proline.
Molecular consequence: missense variant.
Genome position (GRCh38, 1-based): chr9:35,092,553, C>G on the plus strand (G>C on the coding strand, the complement: PIGO is on the minus strand). VCF-style: chr9-35092553-C-G. GRCh37 (hg19) VCF-style: chr9-35092550-C-G.
Other names: p.Arg445Pro; c.1334G>C, p.Arg445Pro (NM_001201484.2, NM_152850.4); short protein forms R445P.
Identifiers: ClinVar variation 4879964 (VCV004879964.1).

ClinVar aggregate classification (germline): Likely pathogenic (1 of 4 stars; one submission).

Conditions:
Hyperphosphatasia with impaired intellectual development syndrome 2. Also called: GLYCOSYLPHOSPHATIDYLINOSITOL BIOSYNTHESIS DEFECT 6; Hyperphosphatasia with intellectual disability syndrome 2. Identifiers: Orphanet 247262, MedGen C3553637, MONDO:0013882, OMIM 614749.

gnomAD v4.1: 3 of 1,614,214 alleles (0.00019%); highest among the groups gnomAD compares: African/African-American, 0.0013%; no homozygotes.

Submission:

Molecular Genetics and NGS Laboratory, Hospital Fundacion Valle Del Lili
Classification: Likely pathogenic for Hyperphosphatasia with impaired intellectual development syndrome 2. Last evaluated: 2026-07-20. Review status: criteria provided, single submitter. Criteria: ACMG Guidelines, 2015. Collection method: clinical testing. Allele origin: biparental. Inheritance: Autosomal recessive inheritance. Affected: yes. Observed: 1 variant allele, 1 homozygote.
Comment: Applying the American College of Medical Genetics and Genomics (ACMG) variant interpretation framework, the variant fulfills criteria PM1, PM2, PM3, PP3, and PP4, supporting its classification as likely pathogenic (Combined Odds_Path = 80.92; Post_P = 0.900) Tavtigian S V., Greenblatt MS, Harrison SM, Nussbaum RL, Prabhu SA, Boucher KM, et al. Modeling the ACMG/AMP variant classification guidelines as a Bayesian classification framework. Genetics in Medicine 2018;20:1054–60. DOI 10.1038/gim.2017.210. PM1: The c.1334G>C variant is located within exon 7, affecting the catalytic domain of the protein, although the affected residue demonstrates no relevant evolutionary conservation (phyloP100 = 1.986). PM2: Variant not found in gnomAD genomes, good gnomAD genomes coverage = 32.5. GnomAD exomes homozygous allele count = 0 is less than 2 for AR gene PIGO, good gnomAD exomes coverage = 42.6. PP3: Multiple in silico prediction tools support a deleterious effect of this variant, including BayesDel addAF (0.2878; moderate pathogenic evidence), ClinPred (0.9835; moderate pathogenic evidence), BayesDel noAF (0.2878; supporting pathogenic evidence), and MetaRNN (0.8156; supporting pathogenic evidence). Individual predictors, including DANN (0.9977) and AlphaMissense (0.7296), also suggest a potentially damaging effect. Three-dimensional structural modeling and alignment (AlphaFold Server and RCSB PDB) of the wild-type and mutant proteins revealed a root mean square deviation (RMSD) of 1.93 Å, indicating a severe structural impact of the Arg445Pro substitution. Structural alignment demonstrated local conformational distortion, with 1,082 of the 1,089 amino acid residues successfully aligned, suggesting that the variant induces localized structural rearrangement while largely preserving the overall protein architecture. PP4: The clinical features observed in our patient are highly consistent with the phenotype associated with this disorder (MIM: 614749).